The following is an entry in ClinVar:

ClinVar aggregate classification (germline): Pathogenic. Review status: criteria provided, multiple submitters, no conflicts (2 of 4 stars). 5 submissions from 5 submitters: Pathogenic (5). Last evaluated 2026-04-27.

Conditions:
Familial prostate cancer. Also called: Hereditary Prostate Cancer. Identifiers: MedGen C2931456, MONDO:0700275, OMIM 176807.
Hereditary cancer-predisposing syndrome. Also called: Hereditary Cancer Syndrome; Neoplastic Syndromes, Hereditary; Tumor predisposition; Hereditary neoplastic syndrome. Identifiers: Orphanet 140162, MedGen C0027672, MeSH D009386, MONDO:0015356.
Breast-ovarian cancer, familial, susceptibility to, 1 (BROVCA1). Also called: BRCA1 Hereditary Breast and Ovarian Cancer; OVARIAN CANCER, SUSCEPTIBILITY TO. Identifiers: Orphanet 145, MedGen C2676676, MONDO:0011450, OMIM 604370. Disease mechanism: loss of function.
Familial cancer of breast. Also called: BREAST CANCER, FAMILIAL; Hereditary breast cancer; hereditary breast carcinoma. Identifiers: Orphanet 227535, MedGen C0346153, MONDO:0016419, OMIM 114480. Disease mechanism: loss of function.
Ataxia-telangiectasia syndrome (AT). Also called: Cerebello-oculocutaneous telangiectasia; Immunodeficiency with ataxia telangiectasia; Ataxia-telangiectasia, complementation group E; Ataxia-telangiectasia, complementation group D; AT, COMPLEMENTATION GROUP C; ATAXIA-TELANGIECTASIA, COMPLEMENTATION GROUP A. Identifiers: Orphanet 100, MedGen C0004135, MONDO:0008840, OMIM 208900.

Submissions (5):

Institute of Human Genetics, University of Leipzig Medical Center
Classification: Pathogenic for Breast-ovarian cancer, familial, susceptibility to, 1. Last evaluated: 2026-04-27. Review status: criteria provided, single submitter. Criteria: ACMG Guidelines, 2015. Collection method: clinical testing. Allele origin: unknown. Inheritance: Autosomal dominant inheritance. Affected: yes.
Comment: Criteria applied: PVS1,PM2_SUP,PM5_SUP

Women's Health and Genetics/Laboratory Corporation of America, LabCorp
Classification: Pathogenic for Familial prostate cancer. Last evaluated: 2025-12-04. Review status: criteria provided, single submitter. Criteria: LabCorp Variant Classification Summary - May 2015. Collection method: clinical testing. Allele origin: germline.
Comment: Variant summary: ATM c.6311G>A (p.Trp2104X) results in a premature termination codon, predicted to cause a truncation of the encoded protein or absence of the protein due to nonsense mediated decay, which are commonly known mechanisms for disease. The variant was absent in 251316 control chromosomes. To our knowledge, no occurrence of c.6311G>A in individuals affected with ATM-related conditions and no experimental evidence demonstrating its impact on protein function have been reported. ClinVar contains an entry for this variant (Variation ID: 581787). Based on the evidence outlined above, the variant was classified as pathogenic.

Myriad Genetics, Inc.
Classification: Pathogenic for Familial cancer of breast. Last evaluated: 2024-01-29. Review status: criteria provided, single submitter. Criteria: Myriad Autosomal Dominant, Autosomal Recessive and X-Linked Classification Criteria (2023). Collection method: clinical testing. Allele origin: unknown.
Comment: This variant is considered pathogenic. This variant creates a termination codon and is predicted to result in premature protein truncation.

Labcorp Genetics (formerly Invitae), Labcorp
Classification: Pathogenic for Ataxia-telangiectasia syndrome. Last evaluated: 2023-06-07. Review status: criteria provided, single submitter. Criteria: Invitae Variant Classification Sherloc (09022015). Collection method: clinical testing. Allele origin: germline.
Comment: This variant is not present in population databases (gnomAD no frequency). This variant has not been reported in the literature in individuals affected with ATM-related conditions. ClinVar contains an entry for this variant (Variation ID: 581787). For these reasons, this variant has been classified as Pathogenic. This sequence change creates a premature translational stop signal (p.Trp2104*) in the ATM gene. It is expected to result in an absent or disrupted protein product. Loss-of-function variants in ATM are known to be pathogenic (PMID: 23807571, 25614872).

Ambry Genetics
Classification: Pathogenic for Hereditary cancer-predisposing syndrome. Last evaluated: 2022-03-29. Review status: criteria provided, single submitter. Criteria: Ambry Variant Classification Scheme 2023. Collection method: clinical testing. Allele origin: germline.
Comment: The p.W2104* variant (also known as c.6311G>A), located in coding exon 42 of the ATM gene, results from a G to A substitution at nucleotide position 6311. This changes the amino acid from a tryptophan to a stop codon within coding exon 42. This variant is considered to be rare based on population cohorts in the Genome Aggregation Database (gnomAD). This alteration is expected to result in loss of function by premature protein truncation or nonsense-mediated mRNA decay. As such, this alteration is interpreted as a disease-causing mutation.

Literature cited by the submitters: PubMed 23807571 (cited by Labcorp Genetics (formerly Invitae), Labcorp); PubMed 25614872 (cited by Labcorp Genetics (formerly Invitae), Labcorp).

NM_000051.4(ATM):c.6311G>A (p.Trp2104Ter)

Genes: ATM (ATM serine/threonine kinase; plus strand), C11orf65 (chromosome 11 open reading frame 65; minus strand). Cytogenetic location: 11q22.3.
Variant type: single nucleotide variant.
Coding change: c.6311G>A on transcript NM_000051.4 (MANE Select); coding-DNA position 6311, G replaced by A.
Protein change: p.Trp2104Ter; replaces tryptophan 2104 with a stop codon.
Molecular consequence: nonsense. On other transcripts: intron variant (2).
Genome position (GRCh38, 1-based): chr11:108,317,485, G>A. VCF-style: chr11-108317485-G-A. GRCh37 (hg19) VCF-style: chr11-108188212-G-A.
Other names: c.6311G>A, p.Trp2104Ter (NM_001351834.2); c.641-8414C>T (NM_001330368.2); c.*39-8414C>T (NM_001351110.2); short protein forms W2104*.
Identifiers: ClinVar variation 581787 (VCV000581787.15), dbSNP rs1064794143, ClinGen allele CA382552155.